The following is an entry in ClinVar:

NM_001199397.3(NEK1):c.3794A>G (p.His1265Arg)

Gene: NEK1 (NIMA related kinase 1; minus strand). Cytogenetic location: 4q33.
Variant type: single nucleotide variant.
Coding change: c.3794A>G on transcript NM_001199397.3 (MANE Select); coding-DNA position 3794, A replaced by G.
Protein change: p.His1265Arg; replaces histidine 1265 with arginine.
Molecular consequence: missense variant. On other transcripts: non-coding transcript variant (1).
Genome position (GRCh38, 1-based): chr4:169,400,278, T>C on the plus strand (A>G on the coding strand, the complement: NEK1 is on the minus strand). VCF-style: chr4-169400278-T-C. GRCh37 (hg19) VCF-style: chr4-170321429-T-C.
Other names: c.3662A>G, p.His1221Arg (NM_001199398.3); c.3503A>G, p.His1168Arg (NM_001199399.3); c.3578A>G, p.His1193Arg (NM_001199400.3); c.3794A>G, p.His1265Arg (NM_001374418.1); c.3710A>G, p.His1237Arg (NM_001374419.1, NM_012224.4); c.3659A>G, p.His1220Arg (NM_001374420.1); c.3311A>G, p.His1104Arg (NM_001374421.1); short protein forms H1104R, H1220R, H1221R, H1193R, H1237R, H1168R, H1265R.
Identifiers: ClinVar variation 2143881 (VCV002143881.4), dbSNP rs1379492576, ClinGen allele CA358799739.
Genomic context (GRCh38, chr4:169,400,278, plus strand): 5'-ATCTTACCTTCTTGGTAGGCTCCATCTGCCATGACTAAATGAAGAATCTTGGCATAAAGA[T>C]GCTGATGTTCATTTCCCAAAATATTTTGAACTATTTTTGAACAAATTTCAATATTTTCAT-3'
Protein context (NP_001186326.1, residues 1255-1275): VQNILGNEHQ[His1265Arg]LYAKILHLVM

ClinVar aggregate classification (germline): Uncertain significance (1 of 4 stars; one submission).

Conditions:
Short-rib thoracic dysplasia 6 with or without polydactyly (SRTD6). Also called: SHORT RIB-POLYDACTYLY SYNDROME, TYPE IIA; SHORT-RIB THORACIC DYSPLASIA 6 WITH POLYDACTYLY; SHORT-RIB THORACIC DYSPLASIA 6 WITHOUT POLYDACTYLY; POLYDACTYLY WITH NEONATAL CHONDRODYSTROPHY, TYPE II; Majewski Syndrome. Identifiers: MedGen C0024507, MONDO:0009894, OMIM 263520.

Allele frequency attached by ClinVar (database versions not stated): gnomAD exomes below 0.00001; TOPMed 0.00001.
gnomAD v4.1: 1 of 1,569,642 alleles (0.000064%); highest among the groups gnomAD compares: Admixed American, 0.0018%; no homozygotes.

Submission:

Labcorp Genetics (formerly Invitae), Labcorp
Classification: Uncertain significance for Short-rib thoracic dysplasia 6 with or without polydactyly. Last evaluated: 2023-10-03. Review status: criteria provided, single submitter. Criteria: Invitae Variant Classification Sherloc (09022015). Collection method: clinical testing. Allele origin: germline.
Comment: This sequence change replaces histidine, which is basic and polar, with arginine, which is basic and polar, at codon 1237 of the NEK1 protein (p.His1237Arg). The frequency data for this variant in the population databases is considered unreliable, as metrics indicate poor data quality at this position in the gnomAD database. This variant has not been reported in the literature in individuals affected with NEK1-related conditions. ClinVar contains an entry for this variant (Variation ID: 2143881). Advanced modeling of protein sequence and biophysical properties (such as structural, functional, and spatial information, amino acid conservation, physicochemical variation, residue mobility, and thermodynamic stability) performed at Invitae indicates that this missense variant is not expected to disrupt NEK1 protein function. In summary, the available evidence is currently insufficient to determine the role of this variant in disease. Therefore, it has been classified as a Variant of Uncertain Significance.